The following is an entry in ClinVar:

NM_001134363.3(RBM20):c.2361G>C (p.Glu787Asp)

Gene: RBM20 (RNA binding motif protein 20; plus strand). Cytogenetic location: 10q25.2.
Variant type: single nucleotide variant.
Coding change: c.2361G>C on transcript NM_001134363.3 (MANE Select); coding-DNA position 2361, G replaced by C.
Protein change: p.Glu787Asp; replaces glutamic acid 787 with aspartic acid.
Molecular consequence: missense variant.
Genome position (GRCh38, 1-based): chr10:110,812,758, G>C. VCF-style: chr10-110812758-G-C. GRCh37 (hg19) VCF-style: chr10-112572516-G-C.
Other names: short protein forms E787D.
Identifiers: ClinVar variation 2826960 (VCV002826960.3), dbSNP rs2493475525, ClinGen allele CA378373569.

ClinVar aggregate classification (germline): Uncertain significance (1 of 4 stars; one submission).

Conditions:
Dilated cardiomyopathy 1DD (CMD1DD). Identifiers: Orphanet 154, MedGen C2750995, MONDO:0013168, OMIM 613172.

Submission:

Labcorp Genetics (formerly Invitae), Labcorp
Classification: Uncertain significance for Dilated cardiomyopathy 1DD. Last evaluated: 2023-01-08. Review status: criteria provided, single submitter. Criteria: Invitae Variant Classification Sherloc (09022015). Collection method: clinical testing. Allele origin: germline.
Comment: This sequence change replaces glutamic acid, which is acidic and polar, with aspartic acid, which is acidic and polar, at codon 787 of the RBM20 protein (p.Glu787Asp). In summary, the available evidence is currently insufficient to determine the role of this variant in disease. Therefore, it has been classified as a Variant of Uncertain Significance. Advanced modeling of protein sequence and biophysical properties (such as structural, functional, and spatial information, amino acid conservation, physicochemical variation, residue mobility, and thermodynamic stability) performed at Invitae indicates that this missense variant is not expected to disrupt RBM20 protein function. This variant has not been reported in the literature in individuals affected with RBM20-related conditions. This variant is not present in population databases (gnomAD no frequency).